The following is an entry in ClinVar:

NM_001112741.2(KCNC1):c.74C>T (p.Thr25Ile)

Gene: KCNC1 (potassium voltage-gated channel subfamily C member 1; plus strand). Cytogenetic location: 11p15.1.
Variant type: single nucleotide variant.
Coding change: c.74C>T on transcript NM_001112741.2 (MANE Select); coding-DNA position 74, C replaced by T.
Protein change: p.Thr25Ile; replaces threonine 25 with isoleucine.
Molecular consequence: missense variant.
Genome position (GRCh38, 1-based): chr11:17,736,076, C>T. VCF-style: chr11-17736076-C-T. GRCh37 (hg19) VCF-style: chr11-17757623-C-T.
Other names: c.74C>T, p.Thr25Ile (NM_004976.4); short protein forms T25I.
Identifiers: ClinVar variation 2767380 (VCV002767380.3), dbSNP rs2497735862, ClinGen allele CA379798906.

ClinVar aggregate classification (germline): Uncertain significance (1 of 4 stars; one submission).

Conditions:
Progressive myoclonic epilepsy type 7. Identifiers: Orphanet 435438, MedGen C4015420, MONDO:0014521, OMIM 616187.

Submission:

Labcorp Genetics (formerly Invitae), Labcorp
Classification: Uncertain significance for Progressive myoclonic epilepsy type 7. Last evaluated: 2023-10-10. Review status: criteria provided, single submitter. Criteria: Invitae Variant Classification Sherloc (09022015). Collection method: clinical testing. Allele origin: germline.
Comment: This sequence change replaces threonine, which is neutral and polar, with isoleucine, which is neutral and non-polar, at codon 25 of the KCNC1 protein (p.Thr25Ile). This variant is not present in population databases (gnomAD no frequency). This variant has not been reported in the literature in individuals affected with KCNC1-related conditions. Advanced modeling of protein sequence and biophysical properties (such as structural, functional, and spatial information, amino acid conservation, physicochemical variation, residue mobility, and thermodynamic stability) has been performed at Invitae for this missense variant, however the output from this modeling did not meet the statistical confidence thresholds required to predict the impact of this variant on KCNC1 protein function. In summary, the available evidence is currently insufficient to determine the role of this variant in disease. Therefore, it has been classified as a Variant of Uncertain Significance.